The following is an entry in ClinVar:

ClinVar aggregate classification (germline): Benign. Review status: criteria provided, multiple submitters, no conflicts (2 of 4 stars). 5 submissions from 5 submitters: Benign (5). Last evaluated 2025-06-25.

Allele frequency attached by ClinVar (database versions not stated): 1000 Genomes Project 30x 0.00375; 1000 Genomes Project 0.00379; ESP Exome Variant Server 0.00751; gnomAD 0.01077 and 0.01085; TOPMed 0.01114; gnomAD exomes 0.01218; ExAC 0.01362.
gnomAD v4.1: 22,626 of 1,504,984 alleles (1.5%); highest among the groups gnomAD compares: Middle Eastern, 2.9%; 227 homozygotes.

Submissions (5):

ARUP Laboratories, Molecular Genetics and Genomics, ARUP Laboratories
Classification: Benign. Last evaluated: 2025-06-25. Review status: criteria provided, single submitter. Criteria: ARUP Molecular Germline Variant Investigation Process 2024. Collection method: clinical testing. Allele origin: germline.

Blueprint Genetics
Classification: Benign. Last evaluated: 2024-11-27. Review status: criteria provided, single submitter. Criteria: ACMG Guidelines, 2015. Collection method: clinical testing. Allele origin: germline.

Women's Health and Genetics/Laboratory Corporation of America, LabCorp
Classification: Benign. Last evaluated: 2024-03-11. Review status: criteria provided, single submitter. Criteria: LabCorp Variant Classification Summary - May 2015. Collection method: clinical testing. Allele origin: germline.

GeneDx
Classification: Benign. Last evaluated: 2016-10-11. Review status: criteria provided, single submitter. Criteria: GeneDx Variant Classification (06012015). Collection method: clinical testing. Allele origin: germline. Affected: yes.
Comment: This variant is considered likely benign or benign based on one or more of the following criteria: it is a conservative change, it occurs at a poorly conserved position in the protein, it is predicted to be benign by multiple in silico algorithms, and/or has population frequency not consistent with disease.

Breakthrough Genomics
Classification: Benign. Review status: criteria provided, single submitter. Criteria: ACMG Guidelines, 2015. Collection method: not provided. Allele origin: germline. Inheritance: Autosomal dominant inheritance. Affected: yes.

NM_005184.4(CALM3):c.-14C>A

Gene: CALM3 (calmodulin 3; plus strand). Cytogenetic location: 19q13.32.
Variant type: single nucleotide variant.
Coding change: c.-14C>A on transcript NM_005184.4 (MANE Select); 14 bases upstream of the start codon, C replaced by A.
Molecular consequence: 5 prime UTR variant. On other transcripts: intron variant (1).
Genome position (GRCh38, 1-based): chr19:46,601,421, C>A. VCF-style: chr19-46601421-C-A. GRCh37 (hg19) VCF-style: chr19-47104678-C-A.
Other names: c.-120C>A (NM_001329924.2); c.-91C>A (NM_001329925.2); c.-114C>A (NM_001329926.2); c.-106+245C>A (NM_001329921.1).
Identifiers: ClinVar variation 386525 (VCV000386525.8), dbSNP rs201296349, ClinGen allele CA9529688.